The following is an entry in ClinVar:

ClinVar aggregate classification (germline): Pathogenic (1 of 4 stars; one submission).

Conditions:
Hereditary cancer-predisposing syndrome. Also called: Hereditary Cancer Syndrome; Hereditary neoplastic syndrome; Neoplastic Syndromes, Hereditary; Tumor predisposition. Identifiers: Orphanet 140162, MedGen C0027672, MeSH D009386, MONDO:0015356.

Submission:

Ambry Genetics
Classification: Pathogenic for Hereditary cancer-predisposing syndrome. Last evaluated: 2021-05-31. Review status: criteria provided, single submitter. Criteria: Ambry Variant Classification Scheme 2023. Collection method: clinical testing. Allele origin: germline.
Comment: The c.1546dupA pathogenic mutation, located in coding exon 11 of the NBN gene, results from a duplication of A at nucleotide position 1546, causing a translational frameshift with a predicted alternate stop codon (p.T516Nfs*6). This alteration is expected to result in loss of function by premature protein truncation or nonsense-mediated mRNA decay. As such, this alteration is interpreted as a disease-causing mutation.

NM_002485.5(NBN):c.1546dup (p.Thr516fs)

Gene: NBN (nibrin; minus strand). Cytogenetic location: 8q21.3.
Variant type: Duplication.
Coding change: c.1546dup on transcript NM_002485.5 (MANE Select); coding-DNA position 1546, one base duplicated (A; older notation c.1546dupA).
Protein change: p.Thr516fs; shifts the reading frame from threonine 516.
Molecular consequence: frameshift variant.
Genome position (GRCh38, 1-based): chr8:89,953,543, T duplicated on the plus strand (A on the coding strand, the reverse complement: NBN is on the minus strand). VCF-style (leftmost placement, unchanged base first): chr8-89953542-G-GT. GRCh37 (hg19) VCF-style: chr8-90965770-G-GT.
Other names: c.1300dup, p.Thr434fs (NM_001024688.3); c.1546dupA (NM_002485.4); short protein forms T516fs, T434fs.
Identifiers: ClinVar variation 1774940 (VCV001774940.2), dbSNP rs2488232692, ClinGen allele CA2580079069.